The following is an entry in ClinVar:

ClinVar aggregate classification (germline): Conflicting classifications of pathogenicity. Review status: criteria provided, conflicting classifications (1 of 4 stars). 4 submissions from 2 submitters: Uncertain significance (3); Likely benign (1). Last evaluated 2023-06-01.

Conditions:
Gastrointestinal stromal tumor. Also called: Gastrointestinal stromal tumor, somatic; Gastrointestinal stroma tumor. Identifiers: Orphanet 44890, MedGen C0238198, MeSH D046152, MONDO:0011719, OMIM 606764, HP:0100723.
Mastocytosis. Also called: Mast Cell Disease. Identifiers: Orphanet 98292, MedGen C0024899, MONDO:0007950, HP:0100495.
Piebaldism. Also called: Piebald skin depigmentation. Identifiers: Orphanet 2884, MedGen C0080024, MONDO:0008244, OMIM 172800, HP:0007544.

Allele frequency attached by ClinVar (database versions not stated): 1000 Genomes Project 0.00040; 1000 Genomes Project 30x 0.00047; gnomAD 0.00144 and 0.00148; TOPMed 0.00144; gnomAD exomes 0.00190.
gnomAD v4.1: 1,055 of 606,456 alleles (0.17%); highest among the groups gnomAD compares: Non-Finnish European, 0.28%; 2 homozygotes.

Submissions (4):

CeGaT Center for Human Genetics Tuebingen
Classification: Likely benign. Last evaluated: 2023-06-01. Review status: criteria provided, single submitter. Criteria: CeGaT Center For Human Genetics Tuebingen Variant Classification Criteria Version 2. Collection method: clinical testing. Allele origin: germline. Affected: yes. Observed: 3 variant alleles.
Comment: KIT: BS1

Illumina Laboratory Services, Illumina
Classification: Uncertain significance for Gastrointestinal stromal tumor. Last evaluated: 2018-01-13. Review status: criteria provided, single submitter. Criteria: ICSL Variant Classification Criteria 13 December 2019. Collection method: clinical testing. Allele origin: germline.

Illumina Laboratory Services, Illumina
Classification: Uncertain significance for Cutaneous mastocytosis. Last evaluated: 2018-01-13. Review status: criteria provided, single submitter. Criteria: ICSL Variant Classification Criteria 13 December 2019. Collection method: clinical testing. Allele origin: germline.

Illumina Laboratory Services, Illumina
Classification: Uncertain significance for Piebaldism. Last evaluated: 2018-01-13. Review status: criteria provided, single submitter. Criteria: ICSL Variant Classification Criteria 13 December 2019. Collection method: clinical testing. Allele origin: germline.

NM_000222.3(KIT):c.*252G>T

Gene: KIT (KIT proto-oncogene, receptor tyrosine kinase; plus strand). Cytogenetic location: 4q12.
Variant type: single nucleotide variant.
Coding change: c.*252G>T on transcript NM_000222.3 (MANE Select); 252 bases downstream of the stop codon, G replaced by T.
Molecular consequence: 3 prime UTR variant.
Genome position (GRCh38, 1-based): chr4:54,738,809, G>T. VCF-style: chr4-54738809-G-T. GRCh37 (hg19) VCF-style: chr4-55604975-G-T.
Other names: c.*252G>T (NM_001093772.2, NM_001385284.1, NM_001385285.1 and 4 more transcripts).
Identifiers: ClinVar variation 348960 (VCV000348960.29), dbSNP rs376694515, ClinGen allele CA10618857.